The following is an entry in ClinVar:

ClinVar aggregate classification (germline): Uncertain significance. Review status: criteria provided, multiple submitters, no conflicts (2 of 4 stars). 5 submissions from 4 submitters: Uncertain significance (4). 1 of the submissions does not count toward it. Last evaluated 2023-11-04.

Conditions:
Usher syndrome type 2A. Also called: RETINAL DISEASE IN USHER SYNDROME TYPE IIA, MODIFIER OF; USHER SYNDROME, TYPE IIA. Identifiers: Orphanet 231178, Orphanet 886, MedGen C1848634, MONDO:0010169, OMIM 276901.
Retinitis pigmentosa 39 (RP39). Identifiers: Orphanet 791, MedGen C3151138, MONDO:0013436, OMIM 613809.

Allele frequency attached by ClinVar (database versions not stated): gnomAD exomes below 0.00001.
gnomAD v4.1: 1 of 1,613,688 alleles (0.000062%); highest among the groups gnomAD compares: Non-Finnish European, 0.000085%; no homozygotes.

Submissions (5):

Genome-Nilou Lab
Classification: Uncertain significance for Retinitis pigmentosa 39. Last evaluated: 2023-11-04. Review status: criteria provided, single submitter. Criteria: ACMG Guidelines, 2015. Collection method: clinical testing. Allele origin: germline. Affected: no.

Genome-Nilou Lab
Classification: Uncertain significance for Usher syndrome type 2A. Last evaluated: 2023-11-04. Review status: criteria provided, single submitter. Criteria: ACMG Guidelines, 2015. Collection method: clinical testing. Allele origin: germline. Affected: no.

GeneDx
Classification: Uncertain significance. Last evaluated: 2020-12-08. Review status: criteria provided, single submitter. Criteria: GeneDx Variant Classification Process June 2021. Collection method: clinical testing. Allele origin: germline. Affected: yes.
Comment: Not observed in large population cohorts (Lek et al., 2016); In silico analysis supports that this missense variant has a deleterious effect on protein structure/function; Has not been previously published as pathogenic or benign to our knowledge

Laboratory for Molecular Medicine, Mass General Brigham Personalized Medicine
Classification: Uncertain significance. Last evaluated: 2017-07-27. Review status: criteria provided, single submitter. Criteria: LMM Criteria. Collection method: clinical testing. Allele origin: germline. Observed: 2 variant alleles.
Comment: Variant classified as Uncertain Significance - Favor Pathogenic. The p.Tyr3472Cys va riant has not been identified in large population studies. Computational predict ion tools and conservation analyses suggest that this variant may impact the pro tein, and splice prediction tools suggest the possible creation of a 5' cryptic splice site; however, this information is not predictive enough to determine pat hogenicity. In summary, while there is some suspicion of a pathogenic role, the clinical significance of the p.Tyr3472Cys variant is uncertain.

Natera, Inc.
Classification: Uncertain significance for Usher syndrome type 2A. Last evaluated: 2020-02-26. Review status: no assertion criteria provided. Collection method: clinical testing. Allele origin: germline. Not counted in ClinVar's aggregate classification.

NM_206933.4(USH2A):c.10415A>G (p.Tyr3472Cys)

Gene: USH2A (usherin; minus strand). Cytogenetic location: 1q41.
Variant type: single nucleotide variant.
Coding change: c.10415A>G on transcript NM_206933.4 (MANE Select); coding-DNA position 10415, A replaced by G.
Protein change: p.Tyr3472Cys; replaces tyrosine 3472 with cysteine.
Molecular consequence: missense variant.
Genome position (GRCh38, 1-based): chr1:215,782,908, T>C on the plus strand (A>G on the coding strand, the complement: USH2A is on the minus strand). VCF-style: chr1-215782908-T-C. GRCh37 (hg19) VCF-style: chr1-215956250-T-C.
Other names: short protein forms Y3472C.
Identifiers: ClinVar variation 517378 (VCV000517378.9), dbSNP rs1553261469, ClinGen allele CA344838129.